The following is an entry in ClinVar:

NM_000321.3(RB1):c.2566G>T (p.Asp856Tyr)

Gene: RB1 (RB transcriptional corepressor 1; plus strand). Cytogenetic location: 13q14.2.
Variant type: single nucleotide variant.
Coding change: c.2566G>T on transcript NM_000321.3 (MANE Select); coding-DNA position 2566, G replaced by T.
Protein change: p.Asp856Tyr; replaces aspartic acid 856 with tyrosine.
Molecular consequence: missense variant.
Genome position (GRCh38, 1-based): chr13:48,476,746, G>T. VCF-style: chr13-48476746-G-T. GRCh37 (hg19) VCF-style: chr13-49050882-G-T.
Other names: short protein forms D856Y.
Identifiers: ClinVar variation 840248 (VCV000840248.16), dbSNP rs149359120, ClinGen allele CA249287892.

ClinVar aggregate classification (germline): Uncertain significance. Review status: criteria provided, multiple submitters, no conflicts (2 of 4 stars). 4 submissions from 4 submitters: Uncertain significance (4). Last evaluated 2025-08-17.

Conditions:
Hereditary cancer-predisposing syndrome. Also called: Neoplastic Syndromes, Hereditary; Tumor predisposition; Hereditary neoplastic syndrome; Hereditary Cancer Syndrome. Identifiers: Orphanet 140162, MedGen C0027672, MeSH D009386, MONDO:0015356.
Retinoblastoma (RB1). Also called: RETINOBLASTOMA, SOMATIC. Identifiers: Orphanet 790, MedGen C0035335, MeSH D012175, MONDO:0008380, OMIM 180200, HP:0009919. Disease mechanism: loss of function. Inheritance: Both sporadic and heritable forms are tested..

Allele frequency attached by ClinVar (database versions not stated): TOPMed 0.00003.
gnomAD v4.1: 2 of 1,613,394 alleles (0.00012%); highest among the groups gnomAD compares: Admixed American, 0.0017%; no homozygotes.

Submissions (4):

Labcorp Genetics (formerly Invitae), Labcorp
Classification: Uncertain significance for Retinoblastoma. Last evaluated: 2025-08-17. Review status: criteria provided, single submitter. Criteria: Invitae Variant Classification Sherloc (09022015). Collection method: clinical testing. Allele origin: germline.
Comment: This sequence change replaces aspartic acid, which is acidic and polar, with tyrosine, which is neutral and polar, at codon 856 of the RB1 protein (p.Asp856Tyr). This variant is present in population databases (no rsID available, gnomAD 0.003%). This variant has not been reported in the literature in individuals affected with RB1-related conditions. ClinVar contains an entry for this variant (Variation ID: 840248). Invitae Evidence Modeling of protein sequence and biophysical properties (such as structural, functional, and spatial information, amino acid conservation, physicochemical variation, residue mobility, and thermodynamic stability) has been performed for this missense variant. However, the output from this modeling did not meet the statistical confidence thresholds required to predict the impact of this variant on RB1 protein function. In summary, the available evidence is currently insufficient to determine the role of this variant in disease. Therefore, it has been classified as a Variant of Uncertain Significance.

Ambry Genetics
Classification: Uncertain significance for Hereditary cancer-predisposing syndrome. Last evaluated: 2025-06-25. Review status: criteria provided, single submitter. Criteria: Ambry Variant Classification Scheme 2023. Collection method: clinical testing. Allele origin: germline.
Comment: The p.D856Y variant (also known as c.2566G>T), located in coding exon 25 of the RB1 gene, results from a G to T substitution at nucleotide position 2566. The aspartic acid at codon 856 is replaced by tyrosine, an amino acid with highly dissimilar properties. This amino acid position is well conserved in available vertebrate species. In addition, the in silico prediction for this alteration is inconclusive. Since supporting evidence is limited at this time, the clinical significance of this alteration remains unclear.

All of Us Research Program, National Institutes of Health
Classification: Uncertain significance for Retinoblastoma. Last evaluated: 2024-04-25. Review status: criteria provided, single submitter. Criteria: ACMG Guidelines, 2015. Collection method: clinical testing. Allele origin: germline. Inheritance: Autosomal dominant inheritance. Observed: 2 variant alleles, 2 heterozygotes.
Comment: This missense variant replaces aspartic acid with tyrosine at codon 856 of the RB1 protein. Computational prediction is inconclusive regarding the impact of this variant on protein structure and function (internally defined REVEL score threshold 0.5 < inconclusive < 0.7, PMID: 27666373). To our knowledge, functional studies have not been reported for this variant. This variant has not been reported in individuals affected with hereditary cancer in the literature. This variant has been identified in 1/251282 chromosomes in the general population by the Genome Aggregation Database (gnomAD). The available evidence is insufficient to determine the role of this variant in disease conclusively. Therefore, this variant is classified as a Variant of Uncertain Significance.

This study involves interpretation of variants in research participants for the purpose of population health screening. Participant phenotype was not available at the time of variant classification. Additional details can be found in publication PMID: 35346344, PMCID: PMC8962531

Sema4
Classification: Uncertain significance for Hereditary cancer-predisposing syndrome. Last evaluated: 2022-02-15. Review status: criteria provided, single submitter. Criteria: Sema4 Curation Guidelines. Collection method: curation. Allele origin: germline.
Comment: The RB1 c.2566G>T (p.D856Y) variant has not been reported in the literature to our knowledge. It was observed in 1/34494 chromosomes of the Latino subpopulation in the large and broad cohorts of the Genome Aggregation Database (PMID: 32461654). The variant has been reported in ClinVar (Variation ID 840248). Functional studies have not been performed, and in silico predictions of the variant's effect on protein function are inconclusive. The evidence is insufficient to meet ACMG/AMP criteria for classifying the variant as benign or pathogenic. Thus, the clinical significance of this variant is currently uncertain.